The following is an entry in ClinVar:

ClinVar aggregate classification (germline): not provided (0 of 4 stars; one submission).

Conditions:
Preeclampsia. Identifiers: Orphanet 275555, MedGen C0032914, MONDO:0005081, HP:0100602.

Submission:

Institute of Molecular and Cell Biology, University of Tartu
No classification provided. Condition: Preeclampsia. Review status: no classification provided. Collection method: case-control. Allele origin: unknown. Affected: yes. Study: Kasak2014.
Comment: The study aimed to determine the contribution of copy number variants in the genetic etiology of normal and complicated pregnancies. The samples represented (i) maternal blood DNA drawn from healthy pregnant women during 1st or 2nd trimester and (ii) maternal and paternal blood DNA drawn at term pregnancy cases representing normal and complicated gestations (severe preeclampsia, PE; gestational diabetes, GD; small-for-gestational age newborn, SGA; large-for-gestational age newborn, LGA). We performed CNV calling based on genome-wide genotyping dataset (Illumina HumanOmniExpress-24-v1 BeadChip) by applying three algorithms, QuantiSNP, GADA (Genome Alteration Detection Algorithm) and CNstream in parallel. The acquired CNV calls were merged with HD-CNV (Hotspot Detector for Copy Number Variants) program and only the CNVs predicted by at least two programs, were considered in subsequent analysis.

Literature cited by the submitters: PubMed 25666259.

NM_024795.3(TM4SF20):c.-14304_183+492dup

Genes: SCYGR1 (small cysteine and glycine repeat containing 1; minus strand), TM4SF20 (transmembrane 4 L six family member 20; minus strand). Cytogenetic location: 2q36.3.
Variant type: Duplication.
Coding change: c.-14304_183+492dup on transcript NM_024795.3; 14304 bases upstream of the start codon through 492 bases into the intron after coding-DNA position 183, this stretch duplicated.
Identifiers: ClinVar variation 156825 (VCV000156825.2).